The following is an entry in ClinVar:

ClinVar aggregate classification (germline): Uncertain significance. Review status: criteria provided, multiple submitters, no conflicts (2 of 4 stars). 2 submissions from 2 submitters: Uncertain significance (2). Last evaluated 2025-07-29.

Allele frequency attached by ClinVar (database versions not stated): ExAC 0.00004; gnomAD exomes 0.00006 and 0.00031; gnomAD 0.00007 and 0.00008; TOPMed 0.00009.
gnomAD v4.1: 450 of 1,613,900 alleles (0.028%); highest among the groups gnomAD compares: Non-Finnish European, 0.037%; no homozygotes.

Submissions (2):

Labcorp Genetics (formerly Invitae), Labcorp
Classification: Uncertain significance. Last evaluated: 2025-07-29. Review status: criteria provided, single submitter. Criteria: Invitae Variant Classification Sherloc (09022015). Collection method: clinical testing. Allele origin: germline.
Comment: This sequence change replaces threonine, which is neutral and polar, with alanine, which is neutral and non-polar, at codon 454 of the IMPDH1 protein (p.Thr454Ala). This variant is present in population databases (rs141568988, gnomAD 0.01%). This missense change has been observed in individual(s) with retinitis pigmentosa (PMID: 23591405). ClinVar contains an entry for this variant (Variation ID: 1052331). An algorithm developed to predict the effect of missense changes on protein structure and function (PolyPhen-2) suggests that this variant is likely to be tolerated. In summary, the available evidence is currently insufficient to determine the role of this variant in disease. Therefore, it has been classified as a Variant of Uncertain Significance.

Blueprint Genetics
Classification: Uncertain significance. Last evaluated: 2023-08-30. Review status: criteria provided, single submitter. Criteria: ACMG Guidelines, 2015. Collection method: clinical testing. Allele origin: germline.

Literature cited by the submitters: PubMed 23591405 (cited by Labcorp Genetics (formerly Invitae), Labcorp).

NM_000883.4(IMPDH1):c.1360A>G (p.Thr454Ala)

Gene: IMPDH1 (inosine monophosphate dehydrogenase 1; minus strand). Cytogenetic location: 7q32.1.
Variant type: single nucleotide variant.
Coding change: c.1360A>G on transcript NM_000883.4 (MANE Select); coding-DNA position 1360, A replaced by G.
Protein change: p.Thr454Ala; replaces threonine 454 with alanine.
Molecular consequence: missense variant.
Genome position (GRCh38, 1-based): chr7:128,395,176, T>C on the plus strand (A>G on the coding strand, the complement: IMPDH1 is on the minus strand). VCF-style: chr7-128395176-T-C. GRCh37 (hg19) VCF-style: chr7-128035230-T-C.
Other names: c.1330A>G, p.Thr444Ala (NM_001102605.2); c.1105A>G, p.Thr369Ala (NM_001142573.2); c.1090A>G, p.Thr364Ala (NM_001142574.2); c.1030A>G, p.Thr344Ala (NM_001142575.2); c.1261A>G, p.Thr421Ala (NM_001142576.2); c.1153A>G, p.Thr385Ala (NM_001304521.2); c.1252A>G, p.Thr418Ala (NM_183243.3); short protein forms T344A, T364A, T369A, T385A, T418A, T421A, T444A, T454A.
Identifiers: ClinVar variation 1052331 (VCV001052331.10), dbSNP rs141568988, ClinGen allele CA4470858.
Genomic context (GRCh38, chr7:128,395,176, plus strand): 5'-ACATTCTCCCCTCACCTGTGGAGGCTCCAAGGGCCAGGGCCTTGACCACGTGTCCCACGG[T>C]CTGGATGCCGCCATCGGCTATGATGGGCACACCAAAGCGCCGGGCATACTCAGCCACCTT-3'
Protein context (NP_000874.2, residues 444-464): VPIIADGGIQ[Thr454Ala]VGHVVKALAL